The following is an entry in ClinVar:

ClinVar aggregate classification (germline): Uncertain significance (1 of 4 stars; one submission).

Conditions:
Hereditary cancer-predisposing syndrome. Also called: Tumor predisposition; Hereditary Cancer Syndrome; Neoplastic Syndromes, Hereditary; Hereditary neoplastic syndrome. Identifiers: Orphanet 140162, MedGen C0027672, MeSH D009386, MONDO:0015356.

Submission:

Ambry Genetics
Classification: Uncertain significance for Hereditary cancer-predisposing syndrome. Last evaluated: 2019-03-14. Review status: criteria provided, single submitter. Criteria: Ambry Variant Classification Scheme 2023. Collection method: clinical testing. Allele origin: germline.
Comment: The p.G1046V variant (also known as c.3137G>T), located in coding exon 15 of the BLM gene, results from a G to T substitution at nucleotide position 3137. The glycine at codon 1046 is replaced by valine, an amino acid with dissimilar properties. This amino acid position is highly conserved in available vertebrate species. In addition, this alteration is predicted to be deleterious by in silico analysis. Since supporting evidence is limited at this time, the clinical significance of this alteration remains unclear.

NM_000057.4(BLM):c.3137G>T (p.Gly1046Val)

Gene: BLM (BLM RecQ like helicase; plus strand). Cytogenetic location: 15q26.1.
Variant type: single nucleotide variant.
Coding change: c.3137G>T on transcript NM_000057.4 (MANE Select); coding-DNA position 3137, G replaced by T.
Protein change: p.Gly1046Val; replaces glycine 1046 with valine.
Molecular consequence: missense variant.
Genome position (GRCh38, 1-based): chr15:90,794,284, G>T. VCF-style: chr15-90794284-G-T. GRCh37 (hg19) VCF-style: chr15-91337514-G-T.
Other names: c.3137G>T, p.Gly1046Val (NM_001287246.2, NM_001287247.2); c.2012G>T, p.Gly671Val (NM_001287248.2); short protein forms G1046V, G671V.
Identifiers: ClinVar variation 822975 (VCV000822975.4), dbSNP rs1596260021, ClinGen allele CA393846916.
Genomic context (GRCh38, chr15:90,794,284, plus strand): 5'-TGGTACATTACTGTGAAAATATAACGGAATGCAGGAGAATACAGCTTTTGGCCTACTTTG[G>T]TGAAAATGGATTTAATCCTGATTTTTGTAAGAAACACCCAGATGTTTCTTGTGATAATTG-3'
Protein context (NP_000048.1, residues 1036-1056): CRRIQLLAYF[Gly1046Val]ENGFNPDFCK